The following is an entry in ClinVar:

ClinVar aggregate classification (germline): Uncertain significance. Review status: criteria provided, multiple submitters, no conflicts (2 of 4 stars). 4 submissions from 4 submitters: Uncertain significance (4). Last evaluated 2024-08-19.

Conditions:
Hereditary cancer-predisposing syndrome. Also called: Hereditary neoplastic syndrome; Tumor predisposition; Hereditary Cancer Syndrome; Neoplastic Syndromes, Hereditary. Identifiers: Orphanet 140162, MedGen C0027672, MeSH D009386, MONDO:0015356.
Familial cancer of breast. Also called: hereditary breast carcinoma; Hereditary breast cancer; BREAST CANCER, FAMILIAL. Identifiers: Orphanet 227535, MedGen C0346153, MONDO:0016419, OMIM 114480. Disease mechanism: loss of function.

Submissions (4):

Ambry Genetics
Classification: Uncertain significance for Hereditary cancer-predisposing syndrome. Last evaluated: 2024-08-19. Review status: criteria provided, single submitter. Criteria: Ambry Variant Classification Scheme 2023. Collection method: clinical testing. Allele origin: germline.
Comment: The p.Q582R variant (also known as c.1745A>G), located in coding exon 8 of the BARD1 gene, results from an A to G substitution at nucleotide position 1745. The glutamine at codon 582 is replaced by arginine, an amino acid with highly similar properties. This amino acid position is well conserved in available vertebrate species. In addition, this alteration is predicted to be tolerated by in silico analysis. Since supporting evidence is limited at this time, the clinical significance of this alteration remains unclear.

Labcorp Genetics (formerly Invitae), Labcorp
Classification: Uncertain significance for Familial cancer of breast. Last evaluated: 2023-12-27. Review status: criteria provided, single submitter. Criteria: Invitae Variant Classification Sherloc (09022015). Collection method: clinical testing. Allele origin: germline.
Comment: This sequence change replaces glutamine, which is neutral and polar, with arginine, which is basic and polar, at codon 582 of the BARD1 protein (p.Gln582Arg). This variant is not present in population databases (gnomAD no frequency). This variant has not been reported in the literature in individuals affected with BARD1-related conditions. ClinVar contains an entry for this variant (Variation ID: 219970). An algorithm developed to predict the effect of missense changes on protein structure and function (PolyPhen-2) suggests that this variant is likely to be tolerated. In summary, the available evidence is currently insufficient to determine the role of this variant in disease. Therefore, it has been classified as a Variant of Uncertain Significance.

GeneDx
Classification: Uncertain significance. Last evaluated: 2023-08-17. Review status: criteria provided, single submitter. Criteria: GeneDx Variant Classification Process June 2021. Collection method: clinical testing. Allele origin: germline. Affected: yes.
Comment: Not observed at significant frequency in large population cohorts (gnomAD); In silico analysis supports that this missense variant does not alter protein structure/function; Has not been previously published as pathogenic or benign to our knowledge; This variant is associated with the following publications: (PMID: 17550235)

Color Diagnostics, LLC DBA Color Health
Classification: Uncertain significance for Hereditary cancer-predisposing syndrome. Last evaluated: 2022-07-06. Review status: criteria provided, single submitter. Criteria: ACMG Guidelines, 2015. Collection method: clinical testing. Allele origin: germline.
Comment: This missense variant replaces glutamine with arginine at codon 582 of the BARD1 protein. Computational prediction suggests that this variant may not impact protein structure and function (internally defined REVEL score threshold <= 0.5, PMID: 27666373). To our knowledge, functional studies have not been reported for this variant. This variant has not been reported in individuals affected with hereditary cancer in the literature. This variant has not been identified in the general population by the Genome Aggregation Database (gnomAD). The available evidence is insufficient to determine the role of this variant in disease conclusively. Therefore, this variant is classified as a Variant of Uncertain Significance.

NM_000465.4(BARD1):c.1745A>G (p.Gln582Arg)

Gene: BARD1 (BRCA1 associated RING domain 1; minus strand). Cytogenetic location: 2q35.
Variant type: single nucleotide variant.
Coding change: c.1745A>G on transcript NM_000465.4 (MANE Select); coding-DNA position 1745, A replaced by G.
Protein change: p.Gln582Arg; replaces glutamine 582 with arginine.
Molecular consequence: missense variant. On other transcripts: non-coding transcript variant (3), intron variant (1).
Genome position (GRCh38, 1-based): chr2:214,745,787, T>C on the plus strand (A>G on the coding strand, the complement: BARD1 is on the minus strand). VCF-style: chr2-214745787-T-C. GRCh37 (hg19) VCF-style: chr2-215610511-T-C.
Other names: c.1688A>G, p.Gln563Arg (NM_001282543.2); c.392A>G, p.Gln131Arg (NM_001282545.2); c.335A>G, p.Gln112Arg (NM_001282548.2); c.365-15279A>G (NM_001282549.2); short protein forms Q582R, Q131R, Q112R, Q563R.
Identifiers: ClinVar variation 219970 (VCV000219970.22), dbSNP rs864622329, ClinGen allele CA349146.